The following is an entry in ClinVar:

NM_019892.6(INPP5E):c.997C>G (p.Leu333Val)

Gene: INPP5E (inositol polyphosphate-5-phosphatase E; minus strand). Cytogenetic location: 9q34.3.
Variant type: single nucleotide variant.
Coding change: c.997C>G on transcript NM_019892.6 (MANE Select); coding-DNA position 997, C replaced by G.
Protein change: p.Leu333Val; replaces leucine 333 with valine.
Molecular consequence: missense variant.
Genome position (GRCh38, 1-based): chr9:136,434,074, G>C on the plus strand (C>G on the coding strand, the complement: INPP5E is on the minus strand). VCF-style: chr9-136434074-G-C. GRCh37 (hg19) VCF-style: chr9-139328526-G-C.
Other names: c.997C>G, p.Leu333Val (NM_001318502.2); short protein forms L333V.
Identifiers: ClinVar variation 4991445 (VCV004991445.1).

ClinVar aggregate classification (germline): Uncertain significance (1 of 4 stars; one submission).

Conditions:
INPP5E-related disorder. Also called: INPP5E-related condition.

gnomAD v4.1: 1 of 1,611,136 alleles (0.000062%); highest among the groups gnomAD compares: Admixed American, 0.0017%; no homozygotes.

Submission:

PreventionGenetics, part of Exact Sciences
Classification: Uncertain significance for INPP5E-related condition. Last evaluated: 2026-07-22. Review status: criteria provided, single submitter. Criteria: ACMG Guidelines, 2015. Collection method: clinical testing. Allele origin: germline.
Comment: The INPP5E c.997C>G variant is predicted to result in the amino acid substitution p.Leu333Val. To our knowledge, this variant has not been reported in the literature. This variant is reported in 0.0029% of alleles in individuals of Latino descent in gnomAD. At this time, the clinical significance of this variant is uncertain due to the absence of conclusive functional and genetic evidence.